The following is an entry in ClinVar:

ClinVar aggregate classification (germline): Pathogenic. Review status: criteria provided, single submitter (1 of 4 stars). 4 submissions from 4 submitters: Pathogenic (1). 3 of the submissions do not count toward it. Last evaluated 2019-11-19.

Conditions:
Pulmonary fibrosis. Identifiers: MedGen C0034069, MONDO:0002771, HP:0002206.
Pulmonary fibrosis and/or bone marrow failure, Telomere-related, 1. Also called: PULMONARY FIBROSIS AND/OR BONE MARROW FAILURE SYNDROME, TELOMERE-RELATED, 1. Identifiers: Orphanet 88, MedGen C3553617, MONDO:0013878, OMIM 614742.
Interstitial lung disease 2 (ILD2). Also called: Familial idiopathic pulmonary fibrosis; FIBROCYSTIC PULMONARY DYSPLASIA; FIBROSING ALVEOLITIS, CRYPTOGENIC. Identifiers: Orphanet 2032, Orphanet 79126, MedGen C5561926, MONDO:0800497, OMIM 178500, MONDO:0800029.

Allele frequency attached by ClinVar (database versions not stated): TOPMed below 0.00001.

Submissions (4):

GeneDx
Classification: Pathogenic. Last evaluated: 2019-11-19. Review status: criteria provided, single submitter. Criteria: GeneDx Variant Classification Process June 2021. Collection method: clinical testing. Allele origin: germline. Affected: yes.
Comment: Frameshift variant predicted to result in protein truncation or nonsense mediated decay in a gene for which loss-of-function is a known mechanism of disease; Functional studies demonstrate decreased telomerase activity and indicate a damaging effect of c.2240delT on protein product and function (Tsakiri et al., 2007); Not observed in large population cohorts (Lek et al., 2016); This variant is associated with the following publications: (PMID: 17460043)

Garcia Pulmonary Genetics Research Laboratory, Columbia University Irving Medical Center
Classification: Likely risk allele for Pulmonary fibrosis. Last evaluated: 2022-06-09. Review status: no assertion criteria provided. Collection method: research. Allele origin: germline. Affected: yes. Not counted in ClinVar's aggregate classification.

OMIM
Classification: Pathogenic for PULMONARY FIBROSIS AND/OR BONE MARROW FAILURE SYNDROME, TELOMERE-RELATED, 1. Last evaluated: 2007-05-01. Review status: no assertion criteria provided. Collection method: literature only. Allele origin: germline. Not counted in ClinVar's aggregate classification.

GeneReviews
No classification provided. Condition: Interstitial lung disease 2. Review status: no classification provided. Collection method: literature only. Allele origin: unknown. Not counted in ClinVar's aggregate classification.

Literature cited by the submitters: PubMed 17460043 (cited by OMIM); PubMed 20301779 (cited by GeneReviews); NCBI Bookshelf NBK22301 (cited by GeneReviews).

NM_198253.3(TERT):c.2240del (p.Val747fs)

Gene: TERT (telomerase reverse transcriptase; minus strand). Cytogenetic location: 5p15.33.
Variant type: Deletion.
Coding change: c.2240del on transcript NM_198253.3 (MANE Select); coding-DNA position 2240, one base deleted (T; older notation c.2240delT).
Protein change: p.Val747fs; shifts the reading frame from valine 747.
Molecular consequence: frameshift variant. On other transcripts: non-coding transcript variant (2).
Genome position (GRCh38, 1-based): chr5:1,278,687, A deleted on the plus strand (T on the coding strand, the reverse complement: TERT is on the minus strand). VCF-style (leftmost placement, unchanged base first): chr5-1278686-GA-G. GRCh37 (hg19) VCF-style: chr5-1278801-GA-G.
Other names: p.Val747fs; c.2240delT (NM_198253.2, NM_198253.3); c.2240del, p.Val747fs (NM_001193376.3); short protein forms V747fs.
Identifiers: ClinVar variation 12737 (VCV000012737.32), dbSNP rs199422300, ClinGen allele CA122667.